The following is an entry in ClinVar:

ClinVar aggregate classification (germline): Uncertain significance (1 of 4 stars; one submission).

Conditions:
Cardiovascular phenotype. Identifiers: MedGen CN230736.
Hereditary cancer-predisposing syndrome. Also called: Neoplastic Syndromes, Hereditary; Tumor predisposition; Hereditary Cancer Syndrome; Hereditary neoplastic syndrome. Identifiers: Orphanet 140162, MedGen C0027672, MeSH D009386, MONDO:0015356.

Submission:

Ambry Genetics
Classification: Uncertain significance for Cardiovascular phenotype; Hereditary cancer-predisposing syndrome. Last evaluated: 2016-09-01. Review status: criteria provided, single submitter. Criteria: Ambry Variant Classification Scheme 2023. Collection method: clinical testing. Allele origin: germline.
Comment: The p.S1479T variant (also known as c.4436G>C), located in coding exon 33 of the NF1 gene, results from a G to C substitution at nucleotide position 4436. The serine at codon 1479 is replaced by threonine, an amino acid with similar properties. This variant was not reported in population based cohorts in the following databases: Database of Single Nucleotide Polymorphisms (dbSNP), NHLBI Exome Sequencing Project (ESP), and 1000 Genomes Project. In the ESP, this variant was not observed in 6503 samples (13006 alleles) with coverage at this position. To date, this alteration has been detected with an allele frequency of approximately 0.001% (greater than 175000 alleles tested) in our clinical cohort. This amino acid position is highly conserved in available vertebrate species. In addition, the in silico prediction for this alteration is inconclusive. Since supporting evidence is limited at this time, the clinical significance of this alteration remains unclear.

NM_001042492.3(NF1):c.4499G>C (p.Ser1500Thr)

Gene: NF1 (neurofibromin 1; plus strand). Cytogenetic location: 17q11.2.
Variant type: single nucleotide variant.
Coding change: c.4499G>C on transcript NM_001042492.3 (MANE Select); coding-DNA position 4499, G replaced by C.
Protein change: p.Ser1500Thr; replaces serine 1500 with threonine.
Molecular consequence: missense variant.
Genome position (GRCh38, 1-based): chr17:31,260,437, G>C. VCF-style: chr17-31260437-G-C. GRCh37 (hg19) VCF-style: chr17-29587455-G-C.
Other names: c.4436G>C, p.Ser1479Thr (NM_000267.4); short protein forms S1500T, S1479T.
Identifiers: ClinVar variation 484057 (VCV000484057.5), dbSNP rs1555618829, ClinGen allele CA398999507.